The following is an entry in ClinVar:

ClinVar aggregate classification (germline): Uncertain significance (1 of 4 stars; one submission).

Allele frequency attached by ClinVar (database versions not stated): gnomAD exomes below 0.00001.
gnomAD v4.1: 3 of 1,614,036 alleles (0.00019%); highest among the groups gnomAD compares: Non-Finnish European, 0.00025%; no homozygotes.

Submission:

Ambry Genetics
Classification: Uncertain significance. Last evaluated: 2025-07-29. Review status: criteria provided, single submitter. Criteria: Ambry Variant Classification Scheme 2023. Collection method: clinical testing. Allele origin: germline.
Comment: The c.2538-5T>G intronic variant results from a T to G substitution 5 nucleotides upstream from coding exon 24 in the KIF1B gene. This nucleotide position is well conserved in available vertebrate species. In silico splice site analysis for this alteration is inconclusive. The evidence for this gene-disease relationship is limited; therefore, the clinical significance of this alteration is unclear.

NM_001365951.3(KIF1B):c.2676-5T>G

Genes: KIF1B (kinesin family member 1B; plus strand), LOC126805614 (BRD4-independent group 4 enhancer GRCh37_chr1:10385546-10386745; plus strand). Cytogenetic location: 1p36.22.
Variant type: single nucleotide variant.
Coding change: c.2676-5T>G on transcript NM_001365951.3 (MANE Select); 5 bases into the intron before coding-DNA position 2676, T replaced by G.
Molecular consequence: intron variant.
Genome position (GRCh38, 1-based): chr1:10,326,106, T>G. VCF-style: chr1-10326106-T-G. GRCh37 (hg19) VCF-style: chr1-10386164-T-G.
Other names: c.2538-5T>G (NM_015074.3); c.2676-5T>G (NM_001365952.1).
Identifiers: ClinVar variation 1792772 (VCV001792772.4), dbSNP rs1343260928, ClinGen allele CA521452632.